The following is an entry in ClinVar:

NM_001256071.3(RNF213):c.14194A>G (p.Lys4732Glu)

Genes: RNF213 (ring finger protein 213; plus strand), RNF213-AS1 (RNF213 antisense RNA 1; minus strand). Cytogenetic location: 17q25.3.
Variant type: single nucleotide variant.
Coding change: c.14194A>G on transcript NM_001256071.3 (MANE Select); coding-DNA position 14194, A replaced by G.
Protein change: p.Lys4732Glu; replaces lysine 4732 with glutamic acid.
Molecular consequence: missense variant.
Genome position (GRCh38, 1-based): chr17:80,383,800, A>G. VCF-style: chr17-80383800-A-G. GRCh37 (hg19) VCF-style: chr17-78357600-A-G.
Other names: p.Lys4732Glu; short protein forms K4732E.
Identifiers: ClinVar variation 708562 (VCV000708562.40), dbSNP rs12944385, ClinGen allele CA8822882.

ClinVar aggregate classification (germline): Benign. Review status: criteria provided, multiple submitters, no conflicts (2 of 4 stars). 6 submissions from 6 submitters: Benign (5). 1 of the submissions does not count toward it. Last evaluated 2026-08-01.

Conditions:
RNF213-related disorder. Also called: RNF213-related condition.
Moyamoya disease 2 (MYMY2). Also called: MOYAMOYA DISEASE 2, SUSCEPTIBILITY TO. Identifiers: Orphanet 2573, MedGen C1846689, MONDO:0011784, OMIM 607151.

Allele frequency attached by ClinVar (database versions not stated): 1000 Genomes Project 30x 0.00172; 1000 Genomes Project 0.00180; TOPMed 0.00610; gnomAD 0.00728 and 0.00750; ExAC 0.00750; gnomAD exomes 0.00765 and 0.01044; ESP Exome Variant Server 0.00777.
gnomAD v4.1: 16,264 of 1,614,168 alleles (1%); highest among the groups gnomAD compares: Non-Finnish European, 1.2%; 112 homozygotes.

Submissions (6):

CeGaT Center for Human Genetics Tuebingen
Classification: Benign. Last evaluated: 2026-08-01. Review status: criteria provided, single submitter. Criteria: CeGaT Center For Human Genetics Tuebingen Variant Classification Criteria Version 2. Collection method: clinical testing. Allele origin: germline. Affected: yes. Observed: 7 variant alleles.
Comment: RNF213: BP4, BS1, BS2

Labcorp Genetics (formerly Invitae), Labcorp
Classification: Benign. Last evaluated: 2026-01-26. Review status: criteria provided, single submitter. Criteria: Invitae Variant Classification Sherloc (09022015). Collection method: clinical testing. Allele origin: germline.

Mayo Clinic Laboratories, Mayo Clinic
Classification: Benign. Last evaluated: 2023-04-05. Review status: criteria provided, single submitter. Criteria: ACMG Guidelines, 2015. Collection method: clinical testing. Allele origin: germline. Observed: 4 variant alleles.
Comment: BS1, BS2, BP4

Fulgent Genetics
Classification: Benign for Moyamoya disease 2. Last evaluated: 2021-08-25. Review status: criteria provided, single submitter. Criteria: ACMG Guidelines, 2015. Collection method: clinical testing. Allele origin: unknown.

Breakthrough Genomics
Classification: Benign. Review status: criteria provided, single submitter. Criteria: ACMG Guidelines, 2015. Collection method: not provided. Allele origin: germline. Inheritance: Autosomal dominant inheritance. Affected: yes.

PreventionGenetics, part of Exact Sciences
Classification: Benign for RNF213-related condition. Last evaluated: 2023-05-17. Review status: no assertion criteria provided. Collection method: clinical testing. Allele origin: germline. Not counted in ClinVar's aggregate classification.
Comment: This variant is classified as benign based on ACMG/AMP sequence variant interpretation guidelines (Richards et al. 2015 PMID: 25741868, with internal and published modifications).